The following is an entry in ClinVar:

NM_001374675.1(HSF4):c.217C>T (p.Arg73Cys)

Gene: HSF4 (heat shock transcription factor 4; plus strand). Cytogenetic location: 16q22.1.
Variant type: single nucleotide variant.
Coding change: c.217C>T on transcript NM_001374675.1 (MANE Select); coding-DNA position 217, C replaced by T.
Protein change: p.Arg73Cys; replaces arginine 73 with cysteine.
Molecular consequence: missense variant.
Genome position (GRCh38, 1-based): chr16:67,165,615, C>T. VCF-style: chr16-67165615-C-T. GRCh37 (hg19) VCF-style: chr16-67199518-C-T.
Other names: c.217C>T, p.Arg73Cys (NM_001538.4, NM_001040667.3, NM_001374674.1); short protein forms R73C.
Identifiers: ClinVar variation 2116889 (VCV002116889.4), dbSNP rs2507007806, ClinGen allele CA396263219.

ClinVar aggregate classification (germline): Uncertain significance (1 of 4 stars; one submission).

Conditions:
Cataract 5 multiple types (CTRCT5). Also called: CATARACT 5, LAMELLAR; CATARACT, MARNER TYPE; Lamellar cataract. Identifiers: Orphanet 91492, MedGen C0266537, MONDO:0007290, OMIM 116800, HP:0007971.

Allele frequency attached by ClinVar (database versions not stated): gnomAD exomes below 0.00001.
gnomAD v4.1: 1 of 1,613,080 alleles (0.000062%); highest among the groups gnomAD compares: Admixed American, 0.0017%; no homozygotes.

Submission:

Labcorp Genetics (formerly Invitae), Labcorp
Classification: Uncertain significance for Cataract 5 multiple types. Last evaluated: 2022-06-26. Review status: criteria provided, single submitter. Criteria: Invitae Variant Classification Sherloc (09022015). Collection method: clinical testing. Allele origin: germline.
Comment: This sequence change replaces arginine, which is basic and polar, with cysteine, which is neutral and slightly polar, at codon 73 of the HSF4 protein (p.Arg73Cys). This variant is not present in population databases (gnomAD no frequency). In summary, the available evidence is currently insufficient to determine the role of this variant in disease. Therefore, it has been classified as a Variant of Uncertain Significance. This variant disrupts the p.Arg73 amino acid residue in HSF4. Other variant(s) that disrupt this residue have been determined to be pathogenic (PMID: 16876512, 20670914). This suggests that this residue is clinically significant, and that variants that disrupt this residue are likely to be disease-causing. Algorithms developed to predict the effect of missense changes on protein structure and function (SIFT, PolyPhen-2, Align-GVGD) all suggest that this variant is likely to be disruptive. This variant has not been reported in the literature in individuals affected with HSF4-related conditions.

Literature cited by the submitters: PubMed 16876512; PubMed 20670914.